The following is an entry in ClinVar:

ClinVar aggregate classification (germline): Uncertain significance. Review status: criteria provided, multiple submitters, no conflicts (2 of 4 stars). 3 submissions from 3 submitters: Uncertain significance (3). Last evaluated 2026-03-11.

Conditions:
Cardiovascular phenotype. Identifiers: MedGen CN230736.
Hereditary cancer-predisposing syndrome. Also called: Neoplastic Syndromes, Hereditary; Hereditary neoplastic syndrome; Hereditary Cancer Syndrome; Tumor predisposition. Identifiers: Orphanet 140162, MedGen C0027672, MeSH D009386, MONDO:0015356.
Neurofibromatosis, type 1 (NF1). Also called: Peripheral type neurofibromatosis; VON RECKLINGHAUSEN DISEASE; NEUROFIBROMATOSIS, TYPE I, SOMATIC; Neurofibromatosis, type I. Identifiers: Orphanet 636, MedGen C0027831, MONDO:0018975, OMIM 162200. Disease mechanism: loss of function.

Allele frequency attached by ClinVar (database versions not stated): gnomAD exomes below 0.00001; TOPMed below 0.00001.
gnomAD v4.1: 2 of 1,614,084 alleles (0.00012%); highest among the groups gnomAD compares: Non-Finnish European, 0.000085%; no homozygotes.

Submissions (3):

GeneDx
Classification: Uncertain significance. Last evaluated: 2026-03-11. Review status: criteria provided, single submitter. Criteria: GeneDx Variant Classification Process June 2021. Collection method: clinical testing. Allele origin: germline.
Comment: Not observed at significant frequency in large population cohorts (gnomAD); In silico analysis supports that this missense variant has a deleterious effect on protein structure/function; Has not been previously published as pathogenic or benign to our knowledge

Labcorp Genetics (formerly Invitae), Labcorp
Classification: Uncertain significance for Neurofibromatosis, type 1. Last evaluated: 2024-07-01. Review status: criteria provided, single submitter. Criteria: Invitae Variant Classification Sherloc (09022015). Collection method: clinical testing. Allele origin: germline.
Comment: This sequence change replaces lysine, which is basic and polar, with glutamic acid, which is acidic and polar, at codon 99 of the NF1 protein (p.Lys99Glu). This variant is not present in population databases (gnomAD no frequency). This variant has not been reported in the literature in individuals affected with NF1-related conditions. ClinVar contains an entry for this variant (Variation ID: 2163422). Advanced modeling of protein sequence and biophysical properties (such as structural, functional, and spatial information, amino acid conservation, physicochemical variation, residue mobility, and thermodynamic stability) performed at Invitae indicates that this missense variant is expected to disrupt NF1 protein function with a positive predictive value of 95%. In summary, the available evidence is currently insufficient to determine the role of this variant in disease. Therefore, it has been classified as a Variant of Uncertain Significance.

Ambry Genetics
Classification: Uncertain significance for Cardiovascular phenotype; Hereditary cancer-predisposing syndrome. Last evaluated: 2022-12-21. Review status: criteria provided, single submitter. Criteria: Ambry Variant Classification Scheme 2023. Collection method: clinical testing. Allele origin: germline.
Comment: The p.K99E variant (also known as c.295A>G), located in coding exon 4 of the NF1 gene, results from an A to G substitution at nucleotide position 295. The lysine at codon 99 is replaced by glutamic acid, an amino acid with similar properties. This amino acid position is conserved. In addition, this alteration is predicted to be deleterious by in silico analysis. Since supporting evidence is limited at this time, the clinical significance of this alteration remains unclear.

NM_001042492.3(NF1):c.295A>G (p.Lys99Glu)

Gene: NF1 (neurofibromin 1; plus strand). Cytogenetic location: 17q11.2.
Variant type: single nucleotide variant.
Coding change: c.295A>G on transcript NM_001042492.3 (MANE Select); coding-DNA position 295, A replaced by G.
Protein change: p.Lys99Glu; replaces lysine 99 with glutamic acid.
Molecular consequence: missense variant.
Genome position (GRCh38, 1-based): chr17:31,163,192, A>G. VCF-style: chr17-31163192-A-G. GRCh37 (hg19) VCF-style: chr17-29490210-A-G.
Other names: c.295A>G, p.Lys99Glu (NM_000267.4, NM_001128147.3); short protein forms K99E.
Identifiers: ClinVar variation 2163422 (VCV002163422.8), dbSNP rs2065791967, ClinGen allele CA398981636.
Genomic context (GRCh38, chr17:31,163,192, plus strand): 5'-AAATGTTTACAGGTAAAATTAAAGTTTAGAATAATGTGATTATTTCTATTTTAGCAACCA[A>G]AGGACACAATGAGATTAGATGAAACGATGCTGGTCAAACAGTTGCTGCCAGAAATCTGCC-3'
Protein context (NP_001035957.1, residues 89-109): TLEKCLAGQP[Lys99Glu]DTMRLDETML